The following is an entry in ClinVar:

ClinVar aggregate classification (germline): Conflicting classifications of pathogenicity. Review status: criteria provided, conflicting classifications (1 of 4 stars). 6 submissions from 6 submitters: Uncertain significance (4); Likely benign (1). 1 of the submissions does not count toward it. Last evaluated 2025-08-21.

Conditions:
Retinitis pigmentosa 25 (RP25). Identifiers: Orphanet 791, MedGen C1864446, MONDO:0011272, OMIM 602772.
Retinitis pigmentosa (RP). Identifiers: Orphanet 791, MedGen C0035334, MeSH D012174, MONDO:0019200, OMIM 268000. Inheritance: Autosomal dominant, autosomal recessive and X linked inheritance.
Retinal dystrophy. Also called: Inherited retinal dystrophy. Identifiers: Orphanet 71862, MedGen C0854723, MeSH D058499, MONDO:0019118, HP:0000556.

Allele frequency attached by ClinVar (database versions not stated): TOPMed 0.00002; gnomAD 0.00003 and 0.00004; gnomAD exomes 0.00003 and 0.00008.
gnomAD v4.1: 127 of 1,613,700 alleles (0.0079%); highest among the groups gnomAD compares: East Asian, 0.025%; no homozygotes.

Submissions (6):

Labcorp Genetics (formerly Invitae), Labcorp
Classification: Uncertain significance. Last evaluated: 2025-08-21. Review status: criteria provided, single submitter. Criteria: Invitae Variant Classification Sherloc (09022015). Collection method: clinical testing. Allele origin: germline.
Comment: This sequence change replaces arginine, which is basic and polar, with glutamine, which is neutral and polar, at codon 26 of the EYS protein (p.Arg26Gln). This variant is present in population databases (rs528733427, gnomAD 0.01%). This variant has not been reported in the literature in individuals affected with EYS-related conditions. ClinVar contains an entry for this variant (Variation ID: 910891). Invitae Evidence Modeling of protein sequence and biophysical properties (such as structural, functional, and spatial information, amino acid conservation, physicochemical variation, residue mobility, and thermodynamic stability) indicates that this missense variant is not expected to disrupt EYS protein function with a negative predictive value of 80%. In summary, the available evidence is currently insufficient to determine the role of this variant in disease. Therefore, it has been classified as a Variant of Uncertain Significance.

Dept Of Ophthalmology, Nagoya University
Classification: Likely benign for Retinal dystrophy. Last evaluated: 2023-10-01. Review status: criteria provided, single submitter. Criteria: Submitter's publication. Collection method: research. Allele origin: germline. Affected: yes.

Fulgent Genetics
Classification: Uncertain significance for Retinitis pigmentosa 25. Last evaluated: 2022-03-03. Review status: criteria provided, single submitter. Criteria: ACMG Guidelines, 2015. Collection method: clinical testing. Allele origin: unknown.

Blueprint Genetics
Classification: Uncertain significance. Last evaluated: 2019-01-07. Review status: criteria provided, single submitter. Criteria: ACMG Guidelines, 2015. Collection method: clinical testing. Allele origin: germline.

Illumina Laboratory Services, Illumina
Classification: Uncertain significance for Retinitis pigmentosa. Last evaluated: 2017-04-28. Review status: criteria provided, single submitter. Criteria: ICSL Variant Classification Criteria 13 December 2019. Collection method: clinical testing. Allele origin: germline.
Comment: This variant was observed as part of a predisposition screen in an ostensibly healthy population. A literature search was performed for the gene, cDNA change, and amino acid change (where applicable). Publications were found based on this search. However, the evidence from the literature, in combination with allele frequency data from public databases where available, was not sufficient to rule this variant in or out of causing disease. Therefore, this variant is classified as a variant of unknown significance.

Natera, Inc.
Classification: Uncertain significance for Retinitis pigmentosa type 25. Last evaluated: 2021-04-07. Review status: no assertion criteria provided. Collection method: clinical testing. Allele origin: germline. Not counted in ClinVar's aggregate classification.

Literature cited by the submitters: PubMed 22363543 (cited by Illumina Laboratory Services, Illumina).

NM_001142800.2(EYS):c.77G>A (p.Arg26Gln)

Gene: EYS (EGF-like photoreceptor maintenance factor; minus strand). Cytogenetic location: 6q12.
Variant type: single nucleotide variant.
Coding change: c.77G>A on transcript NM_001142800.2 (MANE Select); coding-DNA position 77, G replaced by A.
Protein change: p.Arg26Gln; replaces arginine 26 with glutamine.
Molecular consequence: missense variant.
Genome position (GRCh38, 1-based): chr6:65,495,334, C>T on the plus strand (G>A on the coding strand, the complement: EYS is on the minus strand). VCF-style: chr6-65495334-C-T. GRCh37 (hg19) VCF-style: chr6-66205227-C-T.
Other names: c.77G>A, p.Arg26Gln (NM_001142801.2, NM_001292009.2, NM_198283.2); short protein forms R26Q.
Identifiers: ClinVar variation 910891 (VCV000910891.11), dbSNP rs528733427, ClinGen allele CA140434991.